The following is an entry in ClinVar:

ClinVar aggregate classification (germline): Uncertain significance (1 of 4 stars; one submission).

Allele frequency attached by ClinVar (database versions not stated): TOPMed below 0.00001.

Submission:

Labcorp Genetics (formerly Invitae), Labcorp
Classification: Uncertain significance. Last evaluated: 2024-01-16. Review status: criteria provided, single submitter. Criteria: Invitae Variant Classification Sherloc (09022015). Collection method: clinical testing. Allele origin: germline.
Comment: This sequence change replaces proline, which is neutral and non-polar, with threonine, which is neutral and polar, at codon 243 of the CHRM2 protein (p.Pro243Thr). This variant is not present in population databases (gnomAD no frequency). This variant has not been reported in the literature in individuals affected with CHRM2-related conditions. An algorithm developed to predict the effect of missense changes on protein structure and function (PolyPhen-2) suggests that this variant is likely to be tolerated. In summary, the available evidence is currently insufficient to determine the role of this variant in disease. Therefore, it has been classified as a Variant of Uncertain Significance.

NM_001006630.2(CHRM2):c.727C>A (p.Pro243Thr)

Genes: CHRM2 (cholinergic receptor muscarinic 2; plus strand), LOC349160 (uncharacterized LOC349160; minus strand). Cytogenetic location: 7q33.
Variant type: single nucleotide variant.
Coding change: c.727C>A on transcript NM_001006630.2 (MANE Select); coding-DNA position 727, C replaced by A.
Protein change: p.Pro243Thr; replaces proline 243 with threonine.
Molecular consequence: missense variant.
Genome position (GRCh38, 1-based): chr7:137,015,592, C>A. VCF-style: chr7-137015592-C-A. GRCh37 (hg19) VCF-style: chr7-136700339-C-A.
Other names: c.727C>A, p.Pro243Thr (NM_000739.3, NM_001006626.3, NM_001006627.3 and 6 more transcripts); short protein forms P243T.
Identifiers: ClinVar variation 2906956 (VCV002906956.3), dbSNP rs749633370, ClinGen allele CA369487137.